The following is an entry in ClinVar:

NM_030665.4(RAI1):c.4238T>C (p.Met1413Thr)

Gene: RAI1 (retinoic acid induced 1; plus strand). Cytogenetic location: 17p11.2.
Variant type: single nucleotide variant.
Coding change: c.4238T>C on transcript NM_030665.4 (MANE Select); coding-DNA position 4238, T replaced by C.
Protein change: p.Met1413Thr; replaces methionine 1413 with threonine.
Molecular consequence: missense variant.
Genome position (GRCh38, 1-based): chr17:17,797,186, T>C. VCF-style: chr17-17797186-T-C. GRCh37 (hg19) VCF-style: chr17-17700500-T-C.
Other names: short protein forms M1413T.
Identifiers: ClinVar variation 3722515 (VCV003722515.2).

ClinVar aggregate classification (germline): Uncertain significance (1 of 4 stars; one submission).

Submission:

Labcorp Genetics (formerly Invitae), Labcorp
Classification: Uncertain significance. Last evaluated: 2024-02-07. Review status: criteria provided, single submitter. Criteria: Invitae Variant Classification Sherloc (09022015). Collection method: clinical testing. Allele origin: germline.
Comment: This sequence change replaces methionine, which is neutral and non-polar, with threonine, which is neutral and polar, at codon 1413 of the RAI1 protein (p.Met1413Thr). This variant is present in population databases (no rsID available, gnomAD 0.005%). This missense change has been observed in individual(s) with clinical features of RAI1-related conditions (PMID: 24066114). Advanced modeling of protein sequence and biophysical properties (such as structural, functional, and spatial information, amino acid conservation, physicochemical variation, residue mobility, and thermodynamic stability) performed at Invitae indicates that this missense variant is not expected to disrupt RAI1 protein function with a negative predictive value of 80%. In summary, the available evidence is currently insufficient to determine the role of this variant in disease. Therefore, it has been classified as a Variant of Uncertain Significance.

Literature cited by the submitters: PubMed 24066114.